The following is an entry in ClinVar:

ClinVar aggregate classification (germline): Likely pathogenic (1 of 4 stars; one submission).

Conditions:
GCGR-related hyperglucagonemia. Also called: ALPHA-CELL HYPERPLASIA WITH GLUCAGONEMIA; Mahvash disease. Identifiers: Orphanet 438274, MedGen C4763635, MONDO:0018582, OMIM 619290.

Submission:

Servicio Canario de Salud, Hospital Universitario Nuestra Sra. de Candelaria
Classification: Likely pathogenic for GCGR-related hyperglucagonemia. Last evaluated: 2025-06-05. Review status: criteria provided, single submitter. Criteria: ACMG Guidelines, 2015. Collection method: clinical testing. Allele origin: germline. Inheritance: Autosomal recessive inheritance. Affected: yes and no. Observed: 4 heterozygotes, 1 homozygote.
Comment: This variant was absent from large population studies (gnomAD no frequency). In summary, the available evidence for c.1176+1_1176+7del GCGR variant meets our criteria to be classified as Likely Pathogenic based upon its absence from controls and the clinical correlation in this patients´ phenotype.

NM_000160.5(GCGR):c.1176+1_1176+7del

Gene: GCGR (glucagon receptor; plus strand). Cytogenetic location: 17q25.3.
Variant type: Deletion.
Coding change: c.1176+1_1176+7del on transcript NM_000160.5 (MANE Select); the canonical splice donor site of the intron after coding-DNA position 1176 through 7 bases into the intron after coding-DNA position 1176, 7 bases deleted (GTGCCCG; older notation c.1176+1_1176+7delGTGCCCG).
Molecular consequence: splice donor variant.
Genome position (GRCh38, 1-based): chr17:81,812,946-81,812,952, GTGCCCG deleted; deleting any 7 consecutive bases within chr17:81,812,945-81,812,952 gives the same sequence; the c. name uses the placement nearest the transcript's 3' end. VCF-style (leftmost placement, unchanged base first): chr17-81812944-AGGTGCCC-A. GRCh37 (hg19) VCF-style: chr17-79770820-AGGTGCCC-A.
Other names: c.1176+1_1176+7delGTGCCCG (NM_000160.5).
Identifiers: ClinVar variation 3906253 (VCV003906253.1).